The following is an entry in ClinVar:

NM_017875.4(SLC25A38):c.625+6del

Gene: SLC25A38 (solute carrier family 25 member 38; plus strand). Cytogenetic location: 3p22.1.
Variant type: Deletion.
Coding change: c.625+6del on transcript NM_017875.4 (MANE Select); 6 bases into the intron after coding-DNA position 625, one base deleted (G; older notation c.625+6delG).
Molecular consequence: intron variant.
Genome position (GRCh38, 1-based): chr3:39,392,027, G deleted; the last of 3 consecutive G bases (chr3:39,392,025-39,392,027); deleting any one gives the same sequence. VCF-style (leftmost placement, unchanged base first): chr3-39392024-AG-A. GRCh37 (hg19) VCF-style: chr3-39433515-AG-A.
Other names: c.625+6del (NM_001354798.2).
Identifiers: ClinVar variation 2118489 (VCV002118489.4), dbSNP rs2470554865, ClinGen allele CA2580069801.
Genomic context (GRCh38, chr3:39,392,024, plus strand): 5'-CCCTTCTCAGGAATCTACCTGATGTTTTACAACCAGACCAAAAATATAGTGCCTCATGGT[AG>A]GGATAAAGGAAGATCTGGGGAAGAGCTATCCTTGAGACATCAGATCCTCACCATTTTCTC-3'

ClinVar aggregate classification (germline): Uncertain significance (1 of 4 stars; one submission).

Submission:

Labcorp Genetics (formerly Invitae), Labcorp
Classification: Uncertain significance. Last evaluated: 2022-03-27. Review status: criteria provided, single submitter. Criteria: Invitae Variant Classification Sherloc (09022015). Collection method: clinical testing. Allele origin: germline.
Comment: This variant is not present in population databases (gnomAD no frequency). This sequence change falls in intron 5 of the SLC25A38 gene. It does not directly change the encoded amino acid sequence of the SLC25A38 protein. It affects a nucleotide within the consensus splice site. This variant has not been reported in the literature in individuals affected with SLC25A38-related conditions. In summary, the available evidence is currently insufficient to determine the role of this variant in disease. Therefore, it has been classified as a Variant of Uncertain Significance. Variants that disrupt the consensus splice site are a relatively common cause of aberrant splicing (PMID: 17576681, 9536098). Algorithms developed to predict the effect of sequence changes on RNA splicing suggest that this variant is not likely to affect RNA splicing.

Literature cited by the submitters: PubMed 17576681; PubMed 9536098.